The following is an entry in ClinVar:

NM_144997.7(FLCN):c.572G>A (p.Gly191Glu)

Gene: FLCN (folliculin; minus strand). Cytogenetic location: 17p11.2.
Variant type: single nucleotide variant.
Coding change: c.572G>A on transcript NM_144997.7 (MANE Select); coding-DNA position 572, G replaced by A.
Protein change: p.Gly191Glu; replaces glycine 191 with glutamic acid.
Molecular consequence: missense variant.
Genome position (GRCh38, 1-based): chr17:17,223,968, C>T on the plus strand (G>A on the coding strand, the complement: FLCN is on the minus strand). VCF-style: chr17-17223968-C-T. GRCh37 (hg19) VCF-style: chr17-17127282-C-T.
Other names: c.626G>A, p.Gly209Glu (NM_001353229.2); c.572G>A, p.Gly191Glu (NM_001353230.2, NM_001353231.2, NM_144606.7); short protein forms G191E, G209E.
Identifiers: ClinVar variation 1010905 (VCV001010905.7), dbSNP rs2047173274, ClinGen allele CA398534263.

ClinVar aggregate classification (germline): Uncertain significance. Review status: criteria provided, multiple submitters, no conflicts (2 of 4 stars). 2 submissions from 2 submitters: Uncertain significance (2). Last evaluated 2022-10-30.

Conditions:
Birt-Hogg-Dube syndrome. Also called: Birt Hogg Dubé syndrome. Identifiers: Orphanet 122, MedGen C0346010, MONDO:0800444.
Hereditary cancer-predisposing syndrome. Also called: Tumor predisposition; Hereditary Cancer Syndrome; Neoplastic Syndromes, Hereditary; Hereditary neoplastic syndrome. Identifiers: Orphanet 140162, MedGen C0027672, MeSH D009386, MONDO:0015356.

Submissions (2):

Ambry Genetics
Classification: Uncertain significance for Hereditary cancer-predisposing syndrome. Last evaluated: 2022-10-30. Review status: criteria provided, single submitter. Criteria: Ambry Variant Classification Scheme 2023. Collection method: clinical testing. Allele origin: germline.
Comment: The p.G191E variant (also known as c.572G>A), located in coding exon 3 of the FLCN gene, results from a G to A substitution at nucleotide position 572. The glycine at codon 191 is replaced by glutamic acid, an amino acid with similar properties. This amino acid position is conserved. In addition, this alteration is predicted to be tolerated by in silico analysis. Since supporting evidence is limited at this time, the clinical significance of this alteration remains unclear.

Labcorp Genetics (formerly Invitae), Labcorp
Classification: Uncertain significance for Birt-Hogg-Dube syndrome. Last evaluated: 2020-05-20. Review status: criteria provided, single submitter. Criteria: Invitae Variant Classification Sherloc (09022015). Collection method: clinical testing. Allele origin: germline.
Comment: This sequence change replaces glycine with glutamic acid at codon 191 of the FLCN protein (p.Gly191Glu). The glycine residue is moderately conserved and there is a moderate physicochemical difference between glycine and glutamic acid. This variant is not present in population databases (ExAC no frequency). This variant has not been reported in the literature in individuals with FLCN-related conditions. Algorithms developed to predict the effect of missense changes on protein structure and function output the following: SIFT: "Tolerated"; PolyPhen-2: "Benign"; Align-GVGD: "Class C0". The glutamic acid amino acid residue is found in multiple mammalian species, suggesting that this missense change does not adversely affect protein function. These predictions have not been confirmed by published functional studies and their clinical significance is uncertain. In summary, the available evidence is currently insufficient to determine the role of this variant in disease. Therefore, it has been classified as a Variant of Uncertain Significance.